The following is an entry in ClinVar:

ClinVar aggregate classification (germline): Uncertain significance (1 of 4 stars; one submission).

Allele frequency attached by ClinVar (database versions not stated): ExAC 0.00005.
gnomAD v4.1: 4 of 1,551,712 alleles (0.00026%); highest among the groups gnomAD compares: South Asian, 0.0048%; no homozygotes.

Submission:

Labcorp Genetics (formerly Invitae), Labcorp
Classification: Uncertain significance. Last evaluated: 2022-06-27. Review status: criteria provided, single submitter. Criteria: Invitae Variant Classification Sherloc (09022015). Collection method: clinical testing. Allele origin: germline.
Comment: This variant has not been reported in the literature in individuals affected with EYS-related conditions. In summary, the available evidence is currently insufficient to determine the role of this variant in disease. Therefore, it has been classified as a Variant of Uncertain Significance. Algorithms developed to predict the effect of missense changes on protein structure and function (SIFT, PolyPhen-2, Align-GVGD) all suggest that this variant is likely to be tolerated. This variant is present in population databases (no rsID available, gnomAD 0.004%). This sequence change replaces valine, which is neutral and non-polar, with alanine, which is neutral and non-polar, at codon 2944 of the EYS protein (p.Val2944Ala).

NM_001142800.2(EYS):c.8831T>C (p.Val2944Ala)

Genes: EYS (EGF-like photoreceptor maintenance factor; minus strand), PHF3 (PHD finger protein 3; plus strand). Cytogenetic location: 6q12.
Variant type: single nucleotide variant.
Coding change: c.8831T>C on transcript NM_001142800.2 (MANE Select); coding-DNA position 8831, T replaced by C.
Protein change: p.Val2944Ala; replaces valine 2944 with alanine.
Molecular consequence: missense variant. On other transcripts: 3 prime UTR variant (5).
Genome position (GRCh38, 1-based): chr6:63,721,200, A>G on the plus strand (T>C on the coding strand, the complement: EYS is on the minus strand). VCF-style: chr6-63721200-A-G. GRCh37 (hg19) VCF-style: chr6-64431096-A-G.
Other names: c.*7492A>G (NM_001290259.2, NM_001370348.2, NM_001370349.2 and 2 more transcripts); c.8894T>C, p.Val2965Ala (NM_001292009.2); short protein forms V2944A, V2965A.
Identifiers: ClinVar variation 2011643 (VCV002011643.4), dbSNP rs1554163911, ClinGen allele CA3876689.
Genomic context (GRCh38, chr6:63,721,200, plus strand): 5'-TAAGAATTACCCATAAATTTTGCAGTTGAAAATGAAGTTTTGTTTTCACAATACCTTCCC[A>G]CCCAACCCAAAGTACACAGGCAACTGTAAGAAAATGATTGGTCAGGTATACATAAAGATT-3'
Protein context (NP_001136272.1, residues 2934-2954): SYSCLCTLGW[Val2944Ala]GRYCENKTSF